The following is an entry in ClinVar:

NM_019032.6(ADAMTSL4):c.2263G>T (p.Gly755Trp)

Gene: ADAMTSL4 (ADAMTS like 4; plus strand). Cytogenetic location: 1q21.2.
Variant type: single nucleotide variant.
Coding change: c.2263G>T on transcript NM_019032.6 (MANE Select); coding-DNA position 2263, G replaced by T.
Protein change: p.Gly755Trp; replaces glycine 755 with tryptophan.
Molecular consequence: missense variant.
Genome position (GRCh38, 1-based): chr1:150,558,030, G>T. VCF-style: chr1-150558030-G-T. GRCh37 (hg19) VCF-style: chr1-150530506-G-T.
Other names: c.2263G>T (NM_019032.4); c.2146G>T, p.Gly716Trp (NM_001288607.2); c.2332G>T, p.Gly778Trp (NM_001288608.2); c.2263G>T, p.Gly755Trp (NM_001378596.1, NM_025008.5); short protein forms G778W, G755W, G716W.
Identifiers: ClinVar variation 1356143 (VCV001356143.6), dbSNP rs149280379, ClinGen allele CA1078600.

ClinVar aggregate classification (germline): Uncertain significance. Review status: criteria provided, multiple submitters, no conflicts (2 of 4 stars). 3 submissions from 3 submitters: Uncertain significance (3). Last evaluated 2026-01-21.

Conditions:
Inborn genetic diseases. Identifiers: MedGen C0950123, MeSH D030342.

Allele frequency attached by ClinVar (database versions not stated): gnomAD 0.00006 and 0.00007; gnomAD exomes 0.00007 and 0.00010; ESP Exome Variant Server 0.00008; ExAC 0.00009; TOPMed 0.00010.
gnomAD v4.1: 148 of 1,609,582 alleles (0.0092%); highest among the groups gnomAD compares: Admixed American, 0.015%; 1 homozygote.

Submissions (3):

Labcorp Genetics (formerly Invitae), Labcorp
Classification: Uncertain significance. Last evaluated: 2026-01-21. Review status: criteria provided, single submitter. Criteria: Invitae Variant Classification Sherloc (09022015). Collection method: clinical testing. Allele origin: germline.
Comment: This sequence change replaces glycine, which is neutral and non-polar, with tryptophan, which is neutral and slightly polar, at codon 755 of the ADAMTSL4 protein (p.Gly755Trp). This variant is present in population databases (rs149280379, gnomAD 0.02%). This variant has not been reported in the literature in individuals affected with ADAMTSL4-related conditions. ClinVar contains an entry for this variant (Variation ID: 1356143). Invitae Evidence Modeling of protein sequence and biophysical properties (such as structural, functional, and spatial information, amino acid conservation, physicochemical variation, residue mobility, and thermodynamic stability) has been performed for this missense variant. However, the output from this modeling did not meet the statistical confidence thresholds required to predict the impact of this variant on ADAMTSL4 protein function. In summary, the available evidence is currently insufficient to determine the role of this variant in disease. Therefore, it has been classified as a Variant of Uncertain Significance.

Blueprint Genetics
Classification: Uncertain significance. Last evaluated: 2024-08-01. Review status: criteria provided, single submitter. Criteria: ACMG Guidelines, 2015. Collection method: clinical testing. Allele origin: germline.

Ambry Genetics
Classification: Uncertain significance for Inborn genetic diseases. Last evaluated: 2023-09-20. Review status: criteria provided, single submitter. Criteria: Ambry Variant Classification Scheme 2023. Collection method: clinical testing. Allele origin: germline.